The following is an entry in ClinVar:

NM_024741.3(ZNF408):c.970G>A (p.Glu324Lys)

Gene: ZNF408 (zinc finger protein 408; plus strand). Cytogenetic location: 11p11.2.
Variant type: single nucleotide variant.
Coding change: c.970G>A on transcript NM_024741.3 (MANE Select); coding-DNA position 970, G replaced by A.
Protein change: p.Glu324Lys; replaces glutamic acid 324 with lysine.
Molecular consequence: missense variant.
Genome position (GRCh38, 1-based): chr11:46,704,670, G>A. VCF-style: chr11-46704670-G-A. GRCh37 (hg19) VCF-style: chr11-46726220-G-A.
Other names: c.946G>A, p.Glu316Lys (NM_001184751.2); short protein forms E324K, E316K.
Identifiers: ClinVar variation 1464766 (VCV001464766.8), dbSNP rs939657397, ClinGen allele CA221633052.
Genomic context (GRCh38, chr11:46,704,670, plus strand): 5'-TACCTGGCCAAGAAGTTACACAGCCCCAGTGATCAGTGCCCACCCAGAGCAAAGACCCCA[G>A]AGCCTGGAGCCCAGCAGTCTGGCTTCCCTACACTCTCGCGGAGCCCTCCTGGCCCAGCAG-3'
Protein context (NP_079017.1, residues 314-334): DQCPPRAKTP[Glu324Lys]PGAQQSGFPT

ClinVar aggregate classification (germline): Uncertain significance (1 of 4 stars; one submission).

Allele frequency attached by ClinVar (database versions not stated): gnomAD exomes below 0.00001; TOPMed 0.00001; gnomAD 0.00002 and 0.00003.

Submission:

Labcorp Genetics (formerly Invitae), Labcorp
Classification: Uncertain significance. Last evaluated: 2023-08-10. Review status: criteria provided, single submitter. Criteria: Invitae Variant Classification Sherloc (09022015). Collection method: clinical testing. Allele origin: germline.
Comment: In summary, the available evidence is currently insufficient to determine the role of this variant in disease. Therefore, it has been classified as a Variant of Uncertain Significance. An algorithm developed to predict the effect of missense changes on protein structure and function (PolyPhen-2) suggests that this variant is likely to be tolerated. ClinVar contains an entry for this variant (Variation ID: 1464766). This variant has not been reported in the literature in individuals affected with ZNF408-related conditions. This variant is present in population databases (no rsID available, gnomAD 0.008%). This sequence change replaces glutamic acid, which is acidic and polar, with lysine, which is basic and polar, at codon 324 of the ZNF408 protein (p.Glu324Lys).